The following is an entry in ClinVar:

NM_003361.4(UMOD):c.382_383insT (p.Asn128fs)

Gene: UMOD (uromodulin; minus strand). Cytogenetic location: 16p12.3.
Variant type: Insertion.
Coding change: c.382_383insT on transcript NM_003361.4 (MANE Select); coding-DNA positions 382 to 383, T inserted.
Protein change: p.Asn128fs; shifts the reading frame from asparagine 128.
Molecular consequence: frameshift variant. On other transcripts: non-coding transcript variant (1).
Genome position: GRCh38 VCF-style: chr16-20348918-T-TA. GRCh37 (hg19) VCF-style: chr16-20360240-T-TA.
Other names: NR_165456.1:n.607_608insT; c.382_383insT, p.Asn128fs (NM_001008389.3, NM_001378232.1, NM_001378233.1 and 3 more transcripts); c.481_482insT, p.Asn161fs (NM_001278614.2); short protein forms N161fs, N128fs.
Identifiers: ClinVar variation 2412741 (VCV002412741.1), dbSNP rs2507389522, ClinGen allele CA2573332479.
Genomic context (GRCh38, chr16:20,348,918, plus strand): 5'-CAGTGCCATCCATCCCCCCGGTAGCCCGCGGGGCATACGCACAAGTAGCTGCCCACCACA[T>TA]TGACACATGTGGCCAGGGCGTGGCAGTGGCTAAGCCCAGGCTCAGCGCACTCATCCACGT-3'

ClinVar aggregate classification (germline): Uncertain significance (1 of 4 stars; one submission).

Conditions:
Familial juvenile hyperuricemic nephropathy type 1 (ADTKD1). Also called: Glomerulocystic kidney disease with hyperuricemia and isosthenuria; Medullary cystic kidney disease 2; UMOD-Associated Kidney Disease; Uromodulin-associated kidney disease; Autosomal Dominant Tubulointerstitial Kidney Disease – UMOD. Identifiers: Orphanet 209886, Orphanet 34149, Orphanet 88950, MedGen C4551496, MONDO:0008073, OMIM 162000.

Submission:

Broad Center for Mendelian Genomics, Broad Institute of MIT and Harvard
Classification: Uncertain significance for Familial juvenile hyperuricemic nephropathy type 1. Last evaluated: 2023-01-25. Review status: criteria provided, single submitter. Criteria: ACMG Guidelines, 2015. Collection method: curation. Allele origin: germline. Inheritance: Autosomal recessive inheritance.
Comment: The p.Pro128LeufsTer17 variant in UMOD was identified by our study in two affected family members with chronic kidney disease. The p.Pro128LeufsTer17 variant in UMOD has not been previously reported in individuals with autosomal dominant tubulointerstitial kidney disease. This variant was absent from large population studies. This variant is predicted to cause a frameshift, which alters the protein‚Äôs amino acid sequence beginning at position 128 and leads to a premature termination codon 17 amino acids downstream. This alteration is then predicted to lead to a truncated or absent protein. It is of note that loss of function of UMOD in an autosomal dominant disease has not yet been established based on the criteria laid out in Tayoun et al., 2018 (PMID: 30192042). In summary, the clinical significance of the p.Pro128LeufsTer17 variant is uncertain. ACMG/AMP Criteria applied: PM2_Supporting (Richards 2015).